The following is an entry in ClinVar:

ClinVar aggregate classification (germline): Likely pathogenic (1 of 4 stars; one submission).

Conditions:
Maple syrup urine disease type 1B (MSUD1B). Also called: MSUD type IB; MSUD type 3 (formerly); MSUD due to deficiency of e1-beta subunit of branched-chain alpha-keto acid dehydrogenase complex. Identifiers: MedGen C2930990, MONDO:0023692, OMIM 620698.

Submission:

Natera, Inc.
Classification: Likely pathogenic for Maple syrup urine disease type 1B. Last evaluated: 2024-02-25. Review status: criteria provided, single submitter. Criteria: Natera Variant Classification Schema (03/2026). Collection method: clinical testing. Allele origin: germline.
Comment: The c.1139G>A variant in BCKDHB is a nonsense variant predicted to introduce a stop codon at amino acid 380. This variant is expected to result in nonsense mediated decay, truncation, or a dysfunctional protein product. This variant is rare in the general population with a frequency below the threshold expected for the associated phenotype(s). Given the available evidence, this variant is classified as Likely Pathogenic.

NM_183050.4(BCKDHB):c.1139G>A (p.Trp380Ter)

Gene: BCKDHB (branched chain keto acid dehydrogenase E1 subunit beta; plus strand). Cytogenetic location: 6q14.1.
Variant type: single nucleotide variant.
Coding change: c.1139G>A on transcript NM_183050.4 (MANE Select); coding-DNA position 1139, G replaced by A.
Protein change: p.Trp380Ter; replaces tryptophan 380 with a stop codon.
Molecular consequence: nonsense. On other transcripts: 3 prime UTR variant (1), non-coding transcript variant (4), intron variant (2).
Genome position (GRCh38, 1-based): chr6:80,343,764, G>A. VCF-style: chr6-80343764-G-A. GRCh37 (hg19) VCF-style: chr6-81053481-G-A.
Other names: c.1139G>A, p.Trp380Ter (NM_000056.5, NM_001424036.1); c.929G>A, p.Trp310Ter (NM_001318975.1, NM_001424043.1); c.*145G>A (NM_001424039.1); c.1038+70543G>A (NM_001424037.1); c.1039-10489G>A (NM_001424035.1); short protein forms W310*, W380*.
Identifiers: ClinVar variation 4817016 (VCV004817016.1).